The following is an entry in ClinVar:

NM_001377540.1(SLMAP):c.404C>T (p.Ala135Val)

Gene: SLMAP (sarcolemma associated protein; plus strand). Cytogenetic location: 3p14.3.
Variant type: single nucleotide variant.
Coding change: c.404C>T on transcript NM_001377540.1 (MANE Select); coding-DNA position 404, C replaced by T.
Protein change: p.Ala135Val; replaces alanine 135 with valine.
Molecular consequence: missense variant. On other transcripts: non-coding transcript variant (1).
Genome position (GRCh38, 1-based): chr3:57,841,356, C>T. VCF-style: chr3-57841356-C-T. GRCh37 (hg19) VCF-style: chr3-57827083-C-T.
Other names: c.404C>T, p.Ala135Val (NM_001304420.3, NM_001304421.2, NM_001377538.1 and 17 more transcripts); short protein forms A135V.
Identifiers: ClinVar variation 4864673 (VCV004864673.1).

ClinVar aggregate classification (germline): Uncertain significance (1 of 4 stars; one submission).

gnomAD v4.1: 1 of 1,606,850 alleles (0.000062%); no homozygotes.

Submission:

Ambry Genetics
Classification: Uncertain significance. Last evaluated: 2026-03-28. Review status: criteria provided, single submitter. Criteria: Ambry Variant Classification Scheme 2023. Collection method: clinical testing. Allele origin: germline.
Comment: The p.A135V variant (also known as c.404C>T), located in coding exon 3 of the SLMAP gene, results from a C to T substitution at nucleotide position 404. The alanine at codon 135 is replaced by valine, an amino acid with similar properties. This amino acid position is conserved. In addition, the in silico prediction for this alteration is inconclusive. Based on the available evidence, the clinical significance of this variant remains unclear.